The following is an entry in ClinVar:

ClinVar aggregate classification (germline): Likely pathogenic (1 of 4 stars; one submission).

Conditions:
COG1 congenital disorder of glycosylation (CDG2G). Also called: CONGENITAL DISORDER OF GLYCOSYLATION, TYPE IIg; CDG IIg; CDGII/COG1 CEREBROCOSTOMANDIBULAR-LIKE SYNDROME. Identifiers: Orphanet 263508, MedGen C2931011, MONDO:0012637, OMIM 611209.

Submission:

First Genomix Gene Laboratory, Genetic Diagnostics Department
Classification: Likely pathogenic for COG1 congenital disorder of glycosylation. Last evaluated: 2025-09-17. Review status: criteria provided, single submitter. Criteria: ACMG Guidelines, 2015. Collection method: clinical testing. Allele origin: germline. Inheritance: Autosomal recessive inheritance. Affected: no. Observed: 1 variant allele.

NM_018714.3(COG1):c.2718_2719del (p.Gln908fs)

Gene: COG1 (component of oligomeric golgi complex 1; plus strand). Cytogenetic location: 17q25.1.
Variant type: Deletion.
Coding change: c.2718_2719del on transcript NM_018714.3 (MANE Select); coding-DNA positions 2718 to 2719, 2 bases deleted (CA; older notation c.2718_2719delCA).
Protein change: p.Gln908fs; shifts the reading frame from glutamine 908.
Molecular consequence: frameshift variant.
Genome position (GRCh38, 1-based): chr17:73,206,806-73,206,807, CA deleted. VCF-style (leftmost placement, unchanged base first): chr17-73206805-CCA-C. GRCh37 (hg19) VCF-style: chr17-71202944-CCA-C.
Other names: short protein forms Q908fs.
Identifiers: ClinVar variation 4850363 (VCV004850363.1).